The following is an entry in ClinVar:

Conditions:
Breast-ovarian cancer, familial, susceptibility to, 1 (BROVCA1). Also called: BRCA1 Hereditary Breast and Ovarian Cancer; OVARIAN CANCER, SUSCEPTIBILITY TO. Identifiers: Orphanet 145, MedGen C2676676, MONDO:0011450, OMIM 604370. Disease mechanism: loss of function.

Submission:

Brotman Baty Institute, University of Washington
No classification provided (evidence only). Condition: Breast-ovarian cancer, familial 1. Review status: no classification provided. Collection method: in vitro. Allele origin: not applicable. Functional consequence: functionally_normal.
ClinVar note: "not provided" was previously submitted as the classification for the variant. However, the classification appeared to be based only on an observation of functional data so it was converted to no classification on 2025-07-30.

NM_007294.4(BRCA1):c.5508G>C (p.Glu1836Asp)

Gene: BRCA1 (BRCA1 DNA repair associated; minus strand). Cytogenetic location: 17q21.31.
Variant type: single nucleotide variant.
Coding change: c.5508G>C on transcript NM_007294.4 (MANE Select); coding-DNA position 5508, G replaced by C.
Protein change: p.Glu1836Asp; replaces glutamic acid 1836 with aspartic acid.
Molecular consequence: missense variant. On other transcripts: non-coding transcript variant (1), 3 prime UTR variant (1).
Genome position (GRCh38, 1-based): chr17:43,045,762, C>G on the plus strand (G>C on the coding strand, the complement: BRCA1 is on the minus strand). VCF-style: chr17-43045762-C-G. GRCh37 (hg19) VCF-style: chr17-41197779-C-G.
Other names: c.5502G>C, p.Glu1834Asp (NM_001407638.1, NM_001407639.1, NM_001407640.1 and 13 more transcripts); c.5499G>C, p.Glu1833Asp (NM_001407644.1, NM_001407645.1); c.5496G>C, p.Glu1832Asp (NM_001407646.1); c.5493G>C, p.Glu1831Asp (NM_001407647.1); c.5451G>C, p.Glu1817Asp (NM_001407648.1); c.5292G>C, p.Glu1764Asp (NM_001407917.1, NM_001407918.1, NM_001407915.1 and 1 more transcripts); c.5256G>C, p.Glu1752Asp (NM_001407919.1); c.5244G>C, p.Glu1748Asp (NM_001407920.1, NM_001407921.1, NM_001407922.1 and 4 more transcripts); and 74 more; short protein forms E1836D, E732D, E1789D, E1857D, E1539D, E1540D, E1667D, E1707D.
Identifiers: ClinVar variation 868606 (VCV000868606.3), dbSNP rs2050877902, ClinGen allele CA10590299.